The following is an entry in ClinVar:

ClinVar aggregate classification (germline): Pathogenic/Likely pathogenic. Review status: criteria provided, multiple submitters, no conflicts (2 of 4 stars). 5 submissions from 5 submitters: Pathogenic (3); Likely pathogenic (2). Last evaluated 2025-05-15.

Conditions:
Microcephaly 5, primary, autosomal recessive (MCPH5). Also called: ASPM Primary Microcephaly. Identifiers: Orphanet 2512, MedGen C1837501, MONDO:0012106, OMIM 608716.

Submissions (5):

3billion
Classification: Pathogenic for Microcephaly 5, primary, autosomal recessive. Last evaluated: 2025-05-15. Review status: criteria provided, single submitter. Criteria: ACMG Guidelines, 2015. Collection method: clinical testing. Allele origin: germline. Affected: yes.
Comment: The variant is observed at an extremely low frequency in the gnomAD v4.1.0 dataset (total allele frequency: <0.001%). Predicted Consequence/Location: Frameshift: predicted to result in a loss or disruption of normal protein function through nonsense-mediated decay (NMD) or protein truncation. Multiple pathogenic variants are reported downstream of the variant. The variant has been reported at least twice as pathogenic with clinical assertions and evidence for the classification (ClinVar ID: VCV001454430 /PMID: 32677750). Therefore, this variant is classified as Pathogenic according to the recommendation of ACMG/AMP guideline.

Genome-Nilou Lab
Classification: Likely pathogenic for Microcephaly 5, primary, autosomal recessive. Last evaluated: 2023-04-11. Review status: criteria provided, single submitter. Criteria: ACMG Guidelines, 2015. Collection method: clinical testing. Allele origin: germline. Affected: no.

Labcorp Genetics (formerly Invitae), Labcorp
Classification: Pathogenic. Last evaluated: 2022-09-07. Review status: criteria provided, single submitter. Criteria: Invitae Variant Classification Sherloc (09022015). Collection method: clinical testing. Allele origin: germline.
Comment: For these reasons, this variant has been classified as Pathogenic. This premature translational stop signal has been observed in individual(s) with primary microcephaly (PMID: 32677750). This variant is present in population databases (no rsID available, gnomAD 0.01%). This sequence change creates a premature translational stop signal (p.Leu2285Glnfs*32) in the ASPM gene. It is expected to result in an absent or disrupted protein product. Loss-of-function variants in ASPM are known to be pathogenic (PMID: 19028728, 23611254).

MGZ Medical Genetics Center
Classification: Likely pathogenic for Microcephaly 5, primary, autosomal recessive. Last evaluated: 2021-10-11. Review status: criteria provided, single submitter. Criteria: ACMG Guidelines, 2015. Collection method: clinical testing. Allele origin: germline. Affected: yes. Observed: 1 variant allele.
Comment: ACMG criteria applied: PVS1, PM2_SUP

Department of Pediatric Genetics, Istanbul University - Cerrahpasa
Classification: Pathogenic for Microcephaly 5, primary, autosomal recessive. Review status: criteria provided, single submitter. Criteria: ACMG Guidelines, 2015. Collection method: clinical testing. Allele origin: germline. Affected: yes.

Literature cited by the submitters: PubMed 32677750 (cited by 3billion and Labcorp Genetics (formerly Invitae), Labcorp); PubMed 19028728 (cited by Labcorp Genetics (formerly Invitae), Labcorp); PubMed 23611254 (cited by Labcorp Genetics (formerly Invitae), Labcorp).

NM_018136.5(ASPM):c.6854_6855del (p.Leu2285fs)

Gene: ASPM (assembly factor for spindle microtubules; minus strand). Cytogenetic location: 1q31.3.
Variant type: Microsatellite.
Coding change: c.6854_6855del on transcript NM_018136.5 (MANE Select); coding-DNA positions 6854 to 6855, 2 bases deleted (TC; older notation c.6854_6855delTC).
Protein change: p.Leu2285fs; shifts the reading frame from leucine 2285.
Molecular consequence: frameshift variant. On other transcripts: intron variant (1).
Genome position (GRCh38, 1-based): chr1:197,102,396-197,102,397, GA deleted on the plus strand (TC on the coding strand, the reverse complement: ASPM is on the minus strand); deleting any 2 consecutive bases within chr1:197,102,396-197,102,404 gives the same sequence; the c. name uses the placement nearest the transcript's 3' end. VCF-style (leftmost placement, unchanged base first): chr1-197102395-TGA-T. GRCh37 (hg19) VCF-style: chr1-197071525-TGA-T.
Other names: c.4066-6239TC[3] (NM_001206846.2); short protein forms L2285fs.
Identifiers: ClinVar variation 1454430 (VCV001454430.10), dbSNP rs587783259, ClinGen allele CA528534989.